The following is an entry in ClinVar:

ClinVar aggregate classification (germline): Uncertain significance (1 of 4 stars; one submission).

Conditions:
Kabuki syndrome. Also called: Kabuki make-up syndrome; NIIKAWA-KUROKI SYNDROME. Identifiers: Orphanet 2322, MedGen C0796004, MONDO:0016512.

Submission:

Labcorp Genetics (formerly Invitae), Labcorp
Classification: Uncertain significance for Kabuki syndrome. Last evaluated: 2025-07-02. Review status: criteria provided, single submitter. Criteria: Invitae Variant Classification Sherloc (09022015). Collection method: clinical testing. Allele origin: germline.
Comment: This sequence change replaces proline, which is neutral and non-polar, with histidine, which is basic and polar, at codon 5309 of the KMT2D protein (p.Pro5309His). This variant is not present in population databases (gnomAD no frequency). This variant has not been reported in the literature in individuals affected with KMT2D-related conditions. ClinVar contains an entry for this variant (Variation ID: 2095459). Invitae Evidence Modeling of protein sequence and biophysical properties (such as structural, functional, and spatial information, amino acid conservation, physicochemical variation, residue mobility, and thermodynamic stability) indicates that this missense variant is expected to disrupt KMT2D protein function with a positive predictive value of 95%. In summary, the available evidence is currently insufficient to determine the role of this variant in disease. Therefore, it has been classified as a Variant of Uncertain Significance.

NM_003482.4(KMT2D):c.15926C>A (p.Pro5309His)

Gene: KMT2D (lysine methyltransferase 2D; minus strand). Cytogenetic location: 12q13.12.
Variant type: single nucleotide variant.
Coding change: c.15926C>A on transcript NM_003482.4 (MANE Select); coding-DNA position 15926, C replaced by A.
Protein change: p.Pro5309His; replaces proline 5309 with histidine.
Molecular consequence: missense variant.
Genome position (GRCh38, 1-based): chr12:49,024,704, G>T on the plus strand (C>A on the coding strand, the complement: KMT2D is on the minus strand). VCF-style: chr12-49024704-G-T. GRCh37 (hg19) VCF-style: chr12-49418487-G-T.
Other names: short protein forms P5309H.
Identifiers: ClinVar variation 2095459 (VCV002095459.4), dbSNP rs1942488788, ClinGen allele CA384682228.